The following is an entry in ClinVar:

ClinVar aggregate classification (germline): Uncertain significance (1 of 4 stars; one submission).

Submission:

ARUP Laboratories, Molecular Genetics and Genomics, ARUP Laboratories
Classification: Uncertain significance. Last evaluated: 2018-11-19. Review status: criteria provided, single submitter. Criteria: ARUP Molecular Germline Variant Investigation Process. Collection method: clinical testing. Allele origin: germline.
Comment: The DYNC2H1 c.1951A>G; p.Lys651Glu variant, to our knowledge, is not described in the medical literature or in gene-specific databases. It is also absent from general population databases (1000 Genomes Project, Exome Variant Server, and Genome Aggregation Database), indicating it is not a common polymorphism. The lysine at codon 651 is highly conserved, but computational algorithms (PolyPhen-2: damaging, SIFT: tolerated) predict conflicting effects of this variant on protein structure/function. Due to the lack of clinical and functional data regarding this variant, its clinical significance cannot be determined with certainty.

NM_001377.3(DYNC2H1):c.1951A>G (p.Lys651Glu)

Gene: DYNC2H1 (dynein cytoplasmic 2 heavy chain 1; plus strand). Cytogenetic location: 11q22.3.
Variant type: single nucleotide variant.
Coding change: c.1951A>G on transcript NM_001377.3 (MANE Select); coding-DNA position 1951, A replaced by G.
Protein change: p.Lys651Glu; replaces lysine 651 with glutamic acid.
Molecular consequence: missense variant.
Genome position (GRCh38, 1-based): chr11:103,129,003, A>G. VCF-style: chr11-103129003-A-G. GRCh37 (hg19) VCF-style: chr11-102999732-A-G.
Other names: c.1951A>G, p.Lys651Glu (NM_001080463.2); short protein forms K651E.
Identifiers: ClinVar variation 811817 (VCV000811817.8), dbSNP rs1461801774, ClinGen allele CA382256645.